The following is an entry in ClinVar:

NM_002180.3(IGHMBP2):c.1154G>T (p.Cys385Phe)

Gene: IGHMBP2 (immunoglobulin mu DNA binding protein 2; plus strand). Cytogenetic location: 11q13.3.
Variant type: single nucleotide variant.
Coding change: c.1154G>T on transcript NM_002180.3 (MANE Select); coding-DNA position 1154, G replaced by T.
Protein change: p.Cys385Phe; replaces cysteine 385 with phenylalanine.
Molecular consequence: missense variant.
Genome position (GRCh38, 1-based): chr11:68,929,276, G>T. VCF-style: chr11-68929276-G-T. GRCh37 (hg19) VCF-style: chr11-68696744-G-T.
Other names: short protein forms C385F.
Identifiers: ClinVar variation 3753752 (VCV003753752.2).

ClinVar aggregate classification (germline): Uncertain significance (1 of 4 stars; one submission).

Conditions:
Charcot-Marie-Tooth disease axonal type 2S. Also called: CHARCOT-MARIE-TOOTH DISEASE, AXONAL, AUTOSOMAL RECESSIVE, TYPE 2S; CHARCOT-MARIE-TOOTH NEUROPATHY, TYPE 2S. Identifiers: Orphanet 443073, MedGen C4015349, MONDO:0014511, OMIM 616155.
Autosomal recessive distal spinal muscular atrophy 1. Also called: HMN VI; NEURONOPATHY, SEVERE INFANTILE AXONAL, WITH RESPIRATORY FAILURE; SEVERE INFANTILE AXONAL NEUROPATHY WITH RESPIRATORY FAILURE; SPINAL MUSCULAR ATROPHY, DIAPHRAGMATIC; Spinal muscular atrophy with respiratory distress 1; NEURONOPATHY, DISTAL HEREDITARY MOTOR, HARDING TYPE VI. Identifiers: Orphanet 98920, MedGen C1858517, MONDO:0011436, OMIM 604320.

Submission:

Labcorp Genetics (formerly Invitae), Labcorp
Classification: Uncertain significance for Autosomal recessive distal spinal muscular atrophy 1; Charcot-Marie-Tooth disease axonal type 2S. Last evaluated: 2024-05-21. Review status: criteria provided, single submitter. Criteria: Invitae Variant Classification Sherloc (09022015). Collection method: clinical testing. Allele origin: germline.
Comment: This sequence change replaces cysteine, which is neutral and slightly polar, with phenylalanine, which is neutral and non-polar, at codon 385 of the IGHMBP2 protein (p.Cys385Phe). This variant is not present in population databases (gnomAD no frequency). This variant has not been reported in the literature in individuals affected with IGHMBP2-related conditions. Advanced modeling of protein sequence and biophysical properties (such as structural, functional, and spatial information, amino acid conservation, physicochemical variation, residue mobility, and thermodynamic stability) has been performed at Invitae for this missense variant, however the output from this modeling did not meet the statistical confidence thresholds required to predict the impact of this variant on IGHMBP2 protein function. In summary, the available evidence is currently insufficient to determine the role of this variant in disease. Therefore, it has been classified as a Variant of Uncertain Significance.